The following is an entry in ClinVar:

NM_016169.4(SUFU):c.551A>C (p.Gln184Pro)

Gene: SUFU (SUFU negative regulator of hedgehog signaling; plus strand). Cytogenetic location: 10q24.32.
Variant type: single nucleotide variant.
Coding change: c.551A>C on transcript NM_016169.4 (MANE Select); coding-DNA position 551, A replaced by C.
Protein change: p.Gln184Pro; replaces glutamine 184 with proline.
Molecular consequence: missense variant.
Genome position (GRCh38, 1-based): chr10:102,592,678, A>C. VCF-style: chr10-102592678-A-C. GRCh37 (hg19) VCF-style: chr10-104352435-A-C.
Other names: c.551A>C, p.Gln184Pro (NM_001178133.2); short protein forms Q184P.
Identifiers: ClinVar variation 1045971 (VCV001045971.9), dbSNP rs2063416174, ClinGen allele CA377908515.

ClinVar aggregate classification (germline): Uncertain significance (1 of 4 stars; one submission).

Conditions:
Medulloblastoma (MDB). Also called: MEDULLOBLASTOMA PREDISPOSITION SYNDROME; Medulloblastoma, somatic. Identifiers: Orphanet 616, MedGen C0025149, MeSH D008527, MONDO:0007959, OMIM 155255, HP:0002885.
Gorlin syndrome. Also called: Nevoid Basal Cell Carcinoma Syndrome; Basal cell nevus syndrome. Identifiers: Orphanet 377, MedGen C0004779, MONDO:0007187.

Submission:

Labcorp Genetics (formerly Invitae), Labcorp
Classification: Uncertain significance for Gorlin syndrome; Medulloblastoma. Last evaluated: 2020-06-30. Review status: criteria provided, single submitter. Criteria: Invitae Variant Classification Sherloc (09022015). Collection method: clinical testing. Allele origin: germline.
Comment: In summary, the available evidence is currently insufficient to determine the role of this variant in disease. Therefore, it has been classified as a Variant of Uncertain Significance. Algorithms developed to predict the effect of missense changes on protein structure and function (SIFT, PolyPhen-2, Align-GVGD) all suggest that this variant is likely to be disruptive, but these predictions have not been confirmed by published functional studies and their clinical significance is uncertain. This variant has not been reported in the literature in individuals with SUFU-related conditions. This variant is not present in population databases (ExAC no frequency). This sequence change replaces glutamine with proline at codon 184 of the SUFU protein (p.Gln184Pro). The glutamine residue is highly conserved and there is a moderate physicochemical difference between glutamine and proline.